The following is an entry in ClinVar:

ClinVar aggregate classification (germline): Uncertain significance. Review status: criteria provided, multiple submitters, no conflicts (2 of 4 stars). 9 submissions from 9 submitters: Uncertain significance (6). 3 of the submissions do not count toward it. Last evaluated 2025-09-15.

Conditions:
Cystic fibrosis (CF). Also called: MUCOVISCIDOSIS. Identifiers: Orphanet 586, MedGen C0010674, MONDO:0009061, OMIM 219700. Disease mechanism: loss of function.
Congenital bilateral aplasia of vas deferens from CFTR mutation (CBAVD). Identifiers: Orphanet 48, MedGen C0403814, MONDO:0010178, OMIM 277180. Disease mechanism: loss of function.
Hereditary pancreatitis (PCTT). Also called: Hereditary chronic pancreatitis; PRSS1-Related Hereditary Pancreatitis. Identifiers: Orphanet 676, MedGen C0238339, MONDO:0008185, OMIM 167800.
Bronchiectasis with or without elevated sweat chloride 1 (BESC1). Also called: Cystic Fibrosis-Like Syndrome. Identifiers: Orphanet 60033, MedGen C2749757, MONDO:0008887, OMIM 211400.
CFTR-related disorder (CFTR-RD). Also called: CFTR-related disorders; CFTR-related condition. Identifiers: MedGen C5924204, MONDO:7770004.

Allele frequency attached by ClinVar (database versions not stated): gnomAD exomes 0.00002 and 0.00001; gnomAD 0.00002; TOPMed 0.00002.
gnomAD v4.1: 29 of 1,613,980 alleles (0.0018%); highest among the groups gnomAD compares: Non-Finnish European, 0.0025%; no homozygotes.

Submissions (9):

Ambry Genetics
Classification: Uncertain significance for Cystic fibrosis. Last evaluated: 2025-09-15. Review status: criteria provided, single submitter. Criteria: Ambry Variant Classification Scheme 2023. Collection method: clinical testing. Allele origin: germline.
Comment: The p.L333F variant (also known as c.997C>T), located in coding exon 8 of the CFTR gene, results from a C to T substitution at nucleotide position 997. The leucine at codon 333 is replaced by phenylalanine, an amino acid with highly similar properties. This alteration has been detected once in a cohort of individuals with acute recurrent and chronic pancreatitis (Giefer MJ et al. J. Pediatr., 2017 07;186:95-100). This amino acid position is highly conserved in available vertebrate species. In addition, the in silico prediction for this alteration is inconclusive. Based on the available evidence, the clinical significance of this variant remains unclear.

Labcorp Genetics (formerly Invitae), Labcorp
Classification: Uncertain significance for Cystic fibrosis. Last evaluated: 2024-08-09. Review status: criteria provided, single submitter. Criteria: Invitae Variant Classification Sherloc (09022015). Collection method: clinical testing. Allele origin: germline.
Comment: This sequence change replaces leucine, which is neutral and non-polar, with phenylalanine, which is neutral and non-polar, at codon 333 of the CFTR protein (p.Leu333Phe). This variant is present in population databases (rs193922533, gnomAD 0.002%). This missense change has been observed in individual(s) with clinical features of CFTR-related conditions (PMID: 28502372, 33374015). ClinVar contains an entry for this variant (Variation ID: 35895). Advanced modeling of protein sequence and biophysical properties (such as structural, functional, and spatial information, amino acid conservation, physicochemical variation, residue mobility, and thermodynamic stability) performed at Invitae indicates that this missense variant is expected to disrupt CFTR protein function with a positive predictive value of 80%. In summary, the available evidence is currently insufficient to determine the role of this variant in disease. Therefore, it has been classified as a Variant of Uncertain Significance.

Mayo Clinic Laboratories, Mayo Clinic
Classification: Uncertain significance. Last evaluated: 2023-11-15. Review status: criteria provided, single submitter. Criteria: ACMG Guidelines, 2015. Collection method: clinical testing. Allele origin: germline. Observed: 1 variant allele.

Institute of Human Genetics, University of Leipzig Medical Center
Classification: Uncertain significance for Cystic fibrosis. Last evaluated: 2022-09-05. Review status: criteria provided, single submitter. Criteria: ACMG Guidelines, 2015. Collection method: curation. Allele origin: unknown. Affected: yes. Observed: 1 variant allele.
Comment: The variant was classified in the context of a project re-classifying variants in the German Cystic Fibrosis Registry (Muko.e.V.). Criteria applied: PM3, PM2_SUP, PP3

Fulgent Genetics
Classification: Uncertain significance for Hereditary pancreatitis; Bronchiectasis with or without elevated sweat chloride 1; Cystic fibrosis; Congenital bilateral aplasia of vas deferens from CFTR mutation. Last evaluated: 2021-08-25. Review status: criteria provided, single submitter. Criteria: ACMG Guidelines, 2015. Collection method: clinical testing. Allele origin: unknown.

Women's Health and Genetics/Laboratory Corporation of America, LabCorp
Classification: Uncertain significance. Last evaluated: 2021-03-02. Review status: criteria provided, single submitter. Criteria: LabCorp Variant Classification Summary - May 2015. Collection method: clinical testing. Allele origin: germline.
Comment: Variant summary: CFTR c.997C>T (p.Leu333Phe) results in a non-conservative amino acid change located in the ABC transporter type 1, transmembrane domain (IPR011527) of the encoded protein sequence. Four of five in-silico tools predict a damaging effect of the variant on protein function. The variant allele was found at a frequency of 8e-06 in 251260 control chromosomes. The available data on variant occurrences in the general population are insufficient to allow any conclusion about variant significance. c.997C>T has been reported in the literature in compound heterozygosity with the common pathogenic variant p.Phe508del in at least one individual affected with azoospermia or oligospermia (exact phenotypic details not provided, e.g. Rudnik-Schoneborn_2021). In addition the variant was reported in an individual with pancreatitis without strong evidence for causality (e.g. Giefer_2017). These reports do not provide unequivocal conclusions about association of the variant with Cystic Fibrosis. To our knowledge, no experimental evidence demonstrating an impact on protein function has been reported. No clinical diagnostic laboratories have submitted clinical-significance assessments for this variant to ClinVar after 2014. Based on the evidence outlined above, until additional information becomes available, the variant was classified as uncertain significance.

Natera, Inc.
Classification: Uncertain significance for CFTR-related disorders. Last evaluated: 2019-01-02. Review status: no assertion criteria provided. Collection method: clinical testing. Allele origin: germline. Not counted in ClinVar's aggregate classification.

Clinical Genetics DNA and cytogenetics Diagnostics Lab, Erasmus MC, Erasmus Medical Center
Classification: Uncertain significance. Review status: no assertion criteria provided. Collection method: clinical testing. Allele origin: germline. Affected: yes. Study: VKGL Data-share Consensus. Not counted in ClinVar's aggregate classification.

Joint Genome Diagnostic Labs from Nijmegen and Maastricht, Radboudumc and MUMC+
Classification: Uncertain significance. Review status: no assertion criteria provided. Collection method: clinical testing. Allele origin: germline. Affected: yes. Study: VKGL Data-share Consensus. Not counted in ClinVar's aggregate classification.

Literature cited by the submitters: PubMed 28502372 (cited by 4 submitters); PubMed 33374015 (cited by 4 submitters); PubMed 25735457 (cited by Women's Health and Genetics/Laboratory Corporation of America, LabCorp).

NM_000492.4(CFTR):c.997C>T (p.Leu333Phe)

Gene: CFTR (CF transmembrane conductance regulator; plus strand). Cytogenetic location: 7q31.2.
Variant type: single nucleotide variant.
Coding change: c.997C>T on transcript NM_000492.4 (MANE Select); coding-DNA position 997, C replaced by T.
Protein change: p.Leu333Phe; replaces leucine 333 with phenylalanine.
Molecular consequence: missense variant.
Genome position (GRCh38, 1-based): chr7:117,540,227, C>T. VCF-style: chr7-117540227-C-T. GRCh37 (hg19) VCF-style: chr7-117180281-C-T.
Other names: short protein forms L333F.
Identifiers: ClinVar variation 35895 (VCV000035895.17), dbSNP rs193922533, ClinGen allele CA260262.